The following is an entry in ClinVar:

NM_014975.3(MAST1):c.2588A>T (p.Asp863Val)

Gene: MAST1 (microtubule associated serine/threonine kinase 1; plus strand). Cytogenetic location: 19p13.13.
Variant type: single nucleotide variant.
Coding change: c.2588A>T on transcript NM_014975.3 (MANE Select); coding-DNA position 2588, A replaced by T.
Protein change: p.Asp863Val; replaces aspartic acid 863 with valine.
Molecular consequence: missense variant.
Genome position (GRCh38, 1-based): chr19:12,868,664, A>T. VCF-style: chr19-12868664-A-T. GRCh37 (hg19) VCF-style: chr19-12979478-A-T.
Other names: c.2588A>T (NM_014975.2); short protein forms D863V.
Identifiers: ClinVar variation 2649350 (VCV002649350.25), dbSNP rs746343962, ClinGen allele CA9233198.

ClinVar aggregate classification (germline): Uncertain significance. Review status: criteria provided, multiple submitters, no conflicts (2 of 4 stars). 2 submissions from 2 submitters: Uncertain significance (2). Last evaluated 2025-09-05.

Conditions:
Inborn genetic diseases. Identifiers: MedGen C0950123, MeSH D030342.

Allele frequency attached by ClinVar (database versions not stated): ExAC 0.00001; gnomAD exomes 0.00001.
gnomAD v4.1: 9 of 1,601,302 alleles (0.00056%); highest among the groups gnomAD compares: Non-Finnish European, 0.00068%; no homozygotes.

Submissions (2):

Ambry Genetics
Classification: Uncertain significance for Inborn genetic diseases. Last evaluated: 2025-09-05. Review status: criteria provided, single submitter. Criteria: Ambry Variant Classification Scheme 2023. Collection method: clinical testing. Allele origin: germline.

CeGaT Center for Human Genetics Tuebingen
Classification: Uncertain significance. Last evaluated: 2022-11-01. Review status: criteria provided, single submitter. Criteria: CeGaT Center For Human Genetics Tuebingen Variant Classification Criteria Version 2. Collection method: clinical testing. Allele origin: germline. Affected: yes. Observed: 1 variant allele.
Comment: MAST1: PP2, BP4